The following is an entry in ClinVar:

ClinVar aggregate classification (germline): Uncertain significance (1 of 4 stars; one submission).

Conditions:
Familial thoracic aortic aneurysm and aortic dissection (TAAD). Also called: Thoracic aortic aneurysms and dissections. Identifiers: Orphanet 91387, MedGen C4707243, MONDO:0019625.

Submission:

Labcorp Genetics (formerly Invitae), Labcorp
Classification: Uncertain significance for Familial thoracic aortic aneurysm and aortic dissection. Last evaluated: 2021-05-17. Review status: criteria provided, single submitter. Criteria: Invitae Variant Classification Sherloc (09022015). Collection method: clinical testing. Allele origin: germline.
Comment: In summary, the available evidence is currently insufficient to determine the role of this variant in disease. Therefore, it has been classified as a Variant of Uncertain Significance. Advanced modeling of protein sequence and biophysical properties (such as structural, functional, and spatial information, amino acid conservation, physicochemical variation, residue mobility, and thermodynamic stability) performed at Invitae indicates that this missense variant is not expected to disrupt SMAD3 protein function. This variant has been observed in individual(s) with clinical features of Loeys-Dietz syndrome (Invitae). This variant is not present in population databases (ExAC no frequency). This sequence change replaces threonine with serine at codon 8 of the SMAD3 protein (p.Thr8Ser). The threonine residue is moderately conserved and there is a small physicochemical difference between threonine and serine

NM_005902.4(SMAD3):c.23C>G (p.Thr8Ser)

Genes: SMAD3 (SMAD family member 3; plus strand), LOC130057352 (ATAC-STARR-seq lymphoblastoid silent region 6574; plus strand). Cytogenetic location: 15q22.33.
Variant type: single nucleotide variant.
Coding change: c.23C>G on transcript NM_005902.4 (MANE Select); coding-DNA position 23, C replaced by G.
Protein change: p.Thr8Ser; replaces threonine 8 with serine.
Molecular consequence: missense variant.
Genome position (GRCh38, 1-based): chr15:67,066,177, C>G. VCF-style: chr15-67066177-C-G. GRCh37 (hg19) VCF-style: chr15-67358515-C-G.
Other names: short protein forms T8S.
Identifiers: ClinVar variation 1427948 (VCV001427948.6), dbSNP rs2140188733, ClinGen allele CA393202713.
Genomic context (GRCh38, chr15:67,066,177, plus strand): 5'-CGGGGGCGCTCCTCGCCGCCCGCGCGCCCTCCCCAGCCATGTCGTCCATCCTGCCTTTCA[C>G]TCCCCCGATCGTGAAGCGCCTGCTGGGCTGGAAGAAGGGCGAGCAGAACGGGCAGGAGGA-3'
Protein context (NP_005893.1, residues 1-18): MSSILPF[Thr8Ser]PPIVKRLLGW